The following is an entry in ClinVar:

NM_058179.4(PSAT1):c.649C>G (p.Leu217Val)

Gene: PSAT1 (phosphoserine aminotransferase 1; plus strand). Cytogenetic location: 9q21.2.
Variant type: single nucleotide variant.
Coding change: c.649C>G on transcript NM_058179.4 (MANE Select); coding-DNA position 649, C replaced by G.
Protein change: p.Leu217Val; replaces leucine 217 with valine.
Molecular consequence: missense variant.
Genome position (GRCh38, 1-based): chr9:78,308,492, C>G. VCF-style: chr9-78308492-C-G. GRCh37 (hg19) VCF-style: chr9-80923408-C-G.
Other names: c.649C>G, p.Leu217Val (NM_021154.5); short protein forms L217V.
Identifiers: ClinVar variation 976949 (VCV000976949.6), dbSNP rs771502157, ClinGen allele CA5095677.

ClinVar aggregate classification (germline): Uncertain significance. Review status: criteria provided, single submitter (1 of 4 stars). 2 submissions from 2 submitters: Uncertain significance (1). 1 of the submissions does not count toward it. Last evaluated 2025-08-15.

Conditions:
Neu-Laxova syndrome 2. Identifiers: Orphanet 2671, Orphanet 583602, MedGen C4015019, MONDO:0014466, OMIM 616038.

Allele frequency attached by ClinVar (database versions not stated): gnomAD exomes below 0.00001; TOPMed below 0.00001; ExAC 0.00001; gnomAD 0.00001.
gnomAD v4.1: 3 of 1,613,858 alleles (0.00019%); highest among the groups gnomAD compares: African/African-American, 0.004%; no homozygotes.

Submissions (2):

Labcorp Genetics (formerly Invitae), Labcorp
Classification: Uncertain significance for Neu-Laxova syndrome 2. Last evaluated: 2025-08-15. Review status: criteria provided, single submitter. Criteria: Invitae Variant Classification Sherloc (09022015). Collection method: clinical testing. Allele origin: germline.
Comment: This sequence change replaces leucine, which is neutral and non-polar, with valine, which is neutral and non-polar, at codon 217 of the PSAT1 protein (p.Leu217Val). This variant is present in population databases (rs771502157, gnomAD 0.007%). This variant has not been reported in the literature in individuals affected with PSAT1-related conditions. ClinVar contains an entry for this variant (Variation ID: 976949). Invitae Evidence Modeling of protein sequence and biophysical properties (such as structural, functional, and spatial information, amino acid conservation, physicochemical variation, residue mobility, and thermodynamic stability) indicates that this missense variant is not expected to disrupt PSAT1 protein function with a negative predictive value of 80%. Experimental studies have shown that this missense change does not substantially affect PSAT1 function (PMID: 32077105). In summary, the available evidence is currently insufficient to determine the role of this variant in disease. Therefore, it has been classified as a Variant of Uncertain Significance.

Dudley Research Group, Pacific Northwest Research Institute
No classification provided. Review status: no classification provided. Collection method: research, in vivo. Allele origin: unknown, not applicable. Functional consequence: function_uncertain_variant. Not counted in ClinVar's aggregate classification.

Literature cited by the submitters: PubMed 32077105 (cited by Labcorp Genetics (formerly Invitae), Labcorp).